The following is an entry in ClinVar:

ClinVar aggregate classification (germline): Uncertain significance (1 of 4 stars; one submission).

Conditions:
Familial sleep-related hypermotor epilepsy. Also called: Autosomal Dominant Sleep-Related Hypermotor (Hyperkinetic) Epilepsy. Identifiers: Orphanet 98784, MedGen C3696898, MONDO:0000030.

Allele frequency attached by ClinVar (database versions not stated): ExAC 0.00003.
gnomAD v4.1: 19 of 1,048,626 alleles (0.0018%); highest among the groups gnomAD compares: African/African-American, 0.016%; no homozygotes.

Submission:

Labcorp Genetics (formerly Invitae), Labcorp
Classification: Uncertain significance for Familial sleep-related hypermotor epilepsy. Last evaluated: 2022-08-16. Review status: criteria provided, single submitter. Criteria: Invitae Variant Classification Sherloc (09022015). Collection method: clinical testing. Allele origin: germline.
Comment: This sequence change replaces alanine, which is neutral and non-polar, with threonine, which is neutral and polar, at codon 75 of the PRIMA1 protein (p.Ala75Thr). The frequency data for this variant in the population databases is considered unreliable, as metrics indicate poor data quality at this position in the gnomAD database. This variant has not been reported in the literature in individuals affected with PRIMA1-related conditions. ClinVar contains an entry for this variant (Variation ID: 1464852). Algorithms developed to predict the effect of missense changes on protein structure and function are either unavailable or do not agree on the potential impact of this missense change (SIFT: "Deleterious"; PolyPhen-2: "Benign"; Align-GVGD: "Class C0"). In summary, the available evidence is currently insufficient to determine the role of this variant in disease. Therefore, it has been classified as a Variant of Uncertain Significance.

NM_178013.4(PRIMA1):c.223G>A (p.Ala75Thr)

Gene: PRIMA1 (proline rich membrane anchor 1; minus strand). Cytogenetic location: 14q32.12.
Variant type: single nucleotide variant.
Coding change: c.223G>A on transcript NM_178013.4 (MANE Select); coding-DNA position 223, G replaced by A.
Protein change: p.Ala75Thr; replaces alanine 75 with threonine.
Molecular consequence: missense variant.
Genome position (GRCh38, 1-based): chr14:93,779,182, C>T on the plus strand (G>A on the coding strand, the complement: PRIMA1 is on the minus strand). VCF-style: chr14-93779182-C-T. GRCh37 (hg19) VCF-style: chr14-94245528-C-T.
Other names: short protein forms A75T.
Identifiers: ClinVar variation 1464852 (VCV001464852.3), dbSNP rs777420844, ClinGen allele CA7323076.